The following is an entry in ClinVar:

ClinVar aggregate classification (germline): Uncertain significance (1 of 4 stars; one submission).

Submission:

GeneDx
Classification: Uncertain significance. Last evaluated: 2025-06-13. Review status: criteria provided, single submitter. Criteria: GeneDx Variant Classification Process June 2021. Collection method: clinical testing. Allele origin: germline. Affected: yes.
Comment: Not observed at significant frequency in large population cohorts (gnomAD); In silico analysis supports that this missense variant has a deleterious effect on protein structure/function; Has not been previously published as pathogenic or benign to our knowledge

NM_006885.4(ZFHX3):c.4138C>G (p.His1380Asp)

Genes: ZFHX3 (zinc finger homeobox 3; minus strand), ZFHX3-AS1 (ZFHX3 antisense RNA 1; plus strand). Cytogenetic location: 16q22.2.
Variant type: single nucleotide variant.
Coding change: c.4138C>G on transcript NM_006885.4 (MANE Select); coding-DNA position 4138, C replaced by G.
Protein change: p.His1380Asp; replaces histidine 1380 with aspartic acid.
Molecular consequence: missense variant.
Genome position (GRCh38, 1-based): chr16:72,798,544, G>C on the plus strand (C>G on the coding strand, the complement: ZFHX3 is on the minus strand). VCF-style: chr16-72798544-G-C. GRCh37 (hg19) VCF-style: chr16-72832443-G-C.
Other names: c.1396C>G, p.His466Asp (NM_001164766.2); c.4138C>G, p.His1380Asp (NM_001386735.1); short protein forms H1380D, H466D.
Identifiers: ClinVar variation 4537791 (VCV004537791.1).